The following is an entry in ClinVar:

NM_014363.6(SACS):c.4117G>C (p.Ala1373Pro)

Gene: SACS (sacsin molecular chaperone; minus strand). Cytogenetic location: 13q12.12.
Variant type: single nucleotide variant.
Coding change: c.4117G>C on transcript NM_014363.6 (MANE Select); coding-DNA position 4117, G replaced by C.
Protein change: p.Ala1373Pro; replaces alanine 1373 with proline.
Molecular consequence: missense variant.
Genome position (GRCh38, 1-based): chr13:23,339,759, C>G on the plus strand (G>C on the coding strand, the complement: SACS is on the minus strand). VCF-style: chr13-23339759-C-G. GRCh37 (hg19) VCF-style: chr13-23913898-C-G.
Other names: p.Ala1373Pro; c.3676G>C, p.Ala1226Pro (NM_001278055.2); short protein forms A1373P, A1226P.
Identifiers: ClinVar variation 311545 (VCV000311545.20), dbSNP rs61326562, ClinGen allele CA6911431.

ClinVar aggregate classification (germline): Conflicting classifications of pathogenicity. Review status: criteria provided, conflicting classifications (1 of 4 stars). 6 submissions from 6 submitters: Uncertain significance (1); Benign (3); Likely benign (1). 1 of the submissions does not count toward it. Last evaluated 2025-02-25.

Conditions:
Spastic paraplegia. Identifiers: MedGen C0037772, HP:0001258.
Hereditary spastic paraplegia. Also called: Familial spastic paraparesis. Identifiers: Orphanet 685, MedGen C0037773, MONDO:0019064. Disease mechanism: loss of function.
Charlevoix-Saguenay spastic ataxia (SACS). Also called: SPASTIC ATAXIA 6, AUTOSOMAL RECESSIVE; AUTOSOMAL RECESSIVE SPASTIC ATAXIA OF CHARLEVOIX-SAGUENAY; Spastic ataxia of Charlevoix-Saguenay. Identifiers: Orphanet 98, MedGen C1849140, MONDO:0010041, OMIM 270550.

Allele frequency attached by ClinVar (database versions not stated): gnomAD exomes 0.00058 and 0.00170; ExAC 0.00215; 1000 Genomes Project 0.00479; 1000 Genomes Project 30x 0.00500; gnomAD 0.00649 and 0.00706; TOPMed 0.00772.
gnomAD v4.1: 1,867 of 1,614,030 alleles (0.12%); highest among the groups gnomAD compares: African/African-American, 2.2%; 19 homozygotes.

Submissions (6):

Mayo Clinic Laboratories, Mayo Clinic
Classification: Benign. Last evaluated: 2025-02-25. Review status: criteria provided, single submitter. Criteria: ACMG Guidelines, 2015. Collection method: clinical testing. Allele origin: germline. Observed: 4 variant alleles.
Comment: BS1, BS2, BP4

Genome-Nilou Lab
Classification: Benign for Charlevoix-Saguenay spastic ataxia. Last evaluated: 2021-09-05. Review status: criteria provided, single submitter. Criteria: ACMG Guidelines, 2015. Collection method: clinical testing. Allele origin: germline. Affected: no.

Genome Diagnostics Laboratory, The Hospital for Sick Children
Classification: Likely benign for Hereditary spastic paraplegia. Last evaluated: 2020-02-01. Review status: criteria provided, single submitter. Criteria: ACMG Guidelines, 2015. Collection method: clinical testing. Allele origin: germline. Affected: yes.

Labcorp Genetics (formerly Invitae), Labcorp
Classification: Benign for Spastic paraplegia. Last evaluated: 2019-12-31. Review status: criteria provided, single submitter. Criteria: Invitae Variant Classification Sherloc (09022015). Collection method: clinical testing. Allele origin: germline.

Illumina Laboratory Services, Illumina
Classification: Uncertain significance for Charlevoix-Saguenay spastic ataxia. Last evaluated: 2018-01-13. Review status: criteria provided, single submitter. Criteria: ICSL Variant Classification Criteria 13 December 2019. Collection method: clinical testing. Allele origin: germline.

Natera, Inc.
Classification: Likely benign for Charlevoix-Saguenay type spastic ataxia. Last evaluated: 2021-03-10. Review status: no assertion criteria provided. Collection method: clinical testing. Allele origin: germline. Not counted in ClinVar's aggregate classification.